The following is an entry in ClinVar:

ClinVar aggregate classification (germline): Benign/Likely benign. Review status: criteria provided, multiple submitters, no conflicts (2 of 4 stars). 4 submissions from 4 submitters: Benign (1); Likely benign (3). Last evaluated 2025-12-29.

Conditions:
Hereditary cancer-predisposing syndrome. Also called: Hereditary Cancer Syndrome; Hereditary neoplastic syndrome; Tumor predisposition; Neoplastic Syndromes, Hereditary. Identifiers: Orphanet 140162, MedGen C0027672, MeSH D009386, MONDO:0015356.
Oligodontia-cancer predisposition syndrome. Also called: TOOTH AGENESIS-COLORECTAL CANCER SYNDROME. Identifiers: Orphanet 300576, MedGen C1837750, MONDO:0012075, OMIM 608615. Disease mechanism: loss of function.

Submissions (4):

Center for Genomic Medicine, Rigshospitalet, Copenhagen University Hospital
Classification: Likely benign. Last evaluated: 2025-12-29. Review status: criteria provided, single submitter. Criteria: ACMG Guidelines, 2015. Collection method: clinical testing. Allele origin: germline.

Labcorp Genetics (formerly Invitae), Labcorp
Classification: Likely benign for Oligodontia-cancer predisposition syndrome. Last evaluated: 2025-11-25. Review status: criteria provided, single submitter. Criteria: Invitae Variant Classification Sherloc (09022015). Collection method: clinical testing. Allele origin: germline.

Myriad Genetics, Inc.
Classification: Benign for Oligodontia-cancer predisposition syndrome. Last evaluated: 2024-07-03. Review status: criteria provided, single submitter. Criteria: Myriad Autosomal Dominant, Autosomal Recessive and X-Linked Classification Criteria (2023). Collection method: clinical testing. Allele origin: unknown.
Comment: This variant is considered benign. This variant is a silent/synonymous amino acid change and it is not expected to impact splicing.

Ambry Genetics
Classification: Likely benign for Hereditary cancer-predisposing syndrome. Last evaluated: 2020-07-21. Review status: criteria provided, single submitter. Criteria: Ambry Variant Classification Scheme 2023. Collection method: clinical testing. Allele origin: germline.

NM_004655.4(AXIN2):c.1440G>A (p.Leu480=)

Gene: AXIN2 (axin 2; minus strand). Cytogenetic location: 17q24.1.
Variant type: single nucleotide variant.
Coding change: c.1440G>A on transcript NM_004655.4 (MANE Select); coding-DNA position 1440, G replaced by A.
Protein change: p.Leu480=; no amino-acid change (leucine 480 retained).
Molecular consequence: synonymous variant.
Genome position (GRCh38, 1-based): chr17:65,537,596, C>T on the plus strand (G>A on the coding strand, the complement: AXIN2 is on the minus strand). VCF-style: chr17-65537596-C-T. GRCh37 (hg19) VCF-style: chr17-63533714-C-T.
Other names: c.1440G>A, p.Leu480= (NM_001363813.1).
Identifiers: ClinVar variation 1080212 (VCV001080212.13), dbSNP rs2043953695, ClinGen allele CA501691650.